The following is an entry in ClinVar:

NM_000440.3(PDE6A):c.1399A>C (p.Lys467Gln)

Gene: PDE6A (phosphodiesterase 6A; minus strand). Cytogenetic location: 5q32.
Variant type: single nucleotide variant.
Coding change: c.1399A>C on transcript NM_000440.3 (MANE Select); coding-DNA position 1399, A replaced by C.
Protein change: p.Lys467Gln; replaces lysine 467 with glutamine.
Molecular consequence: missense variant.
Genome position (GRCh38, 1-based): chr5:149,898,371, T>G on the plus strand (A>C on the coding strand, the complement: PDE6A is on the minus strand). VCF-style: chr5-149898371-T-G. GRCh37 (hg19) VCF-style: chr5-149277934-T-G.
Other names: c.1156A>C, p.Lys386Gln (NM_001410788.1); short protein forms K386Q, K467Q.
Identifiers: ClinVar variation 1950492 (VCV001950492.5), dbSNP rs1470015295, ClinGen allele CA361696049.
Genomic context (GRCh38, chr5:149,898,371, plus strand): 5'-CTCTGAGACGCAGTCTGTATTAGAGTAGAAACAAGTAAAGAACATTACACACCAAGATTT[T>G]CTGAATTTCTTCATTGTCACACTTCACATGATATTTTACTATGTCCTGGAAAATATCCTT-3'
Protein context (NP_000431.2, residues 457-477): HVKCDNEEIQ[Lys467Gln]ILKTREVYGK

ClinVar aggregate classification (germline): Uncertain significance (1 of 4 stars; one submission).

Allele frequency attached by ClinVar (database versions not stated): gnomAD exomes below 0.00001; TOPMed below 0.00001.
gnomAD v4.1: 1 of 1,613,458 alleles (0.000062%); highest among the groups gnomAD compares: Admixed American, 0.0017%; no homozygotes.

Submission:

Labcorp Genetics (formerly Invitae), Labcorp
Classification: Uncertain significance. Last evaluated: 2022-03-10. Review status: criteria provided, single submitter. Criteria: Invitae Variant Classification Sherloc (09022015). Collection method: clinical testing. Allele origin: germline.
Comment: This sequence change replaces lysine, which is basic and polar, with glutamine, which is neutral and polar, at codon 467 of the PDE6A protein (p.Lys467Gln). This variant is present in population databases (no rsID available, gnomAD 0.003%). This variant has not been reported in the literature in individuals affected with PDE6A-related conditions. Algorithms developed to predict the effect of missense changes on protein structure and function output the following: SIFT: "Tolerated"; PolyPhen-2: "Benign"; Align-GVGD: "Class C0". The glutamine amino acid residue is found in multiple mammalian species, which suggests that this missense change does not adversely affect protein function. In summary, the available evidence is currently insufficient to determine the role of this variant in disease. Therefore, it has been classified as a Variant of Uncertain Significance.